The following is an entry in ClinVar:

ClinVar aggregate classification (germline): Uncertain significance (1 of 4 stars; one submission).

gnomAD v4.1: 9 of 1,610,106 alleles (0.00056%); highest among the groups gnomAD compares: African/African-American, 0.0013%; no homozygotes.

Submission:

Laboratorio de Genetica e Diagnostico Molecular, Hospital Israelita Albert Einstein
Classification: Uncertain significance. Last evaluated: 2022-01-24. Review status: criteria provided, single submitter. Criteria: ACMG Guidelines, 2015. Collection method: clinical testing. Allele origin: germline. Affected: yes.
Comment: ACMG classification criteria: PM2, BP4

NM_001394998.1(TANC2):c.206G>C (p.Ser69Thr)

Gene: TANC2 (tetratricopeptide repeat, ankyrin repeat and coiled-coil containing 2; plus strand). Cytogenetic location: 17q23.2.
Variant type: single nucleotide variant.
Coding change: c.206G>C on transcript NM_001394998.1 (MANE Select); coding-DNA position 206, G replaced by C.
Protein change: p.Ser69Thr; replaces serine 69 with threonine.
Molecular consequence: missense variant.
Genome position (GRCh38, 1-based): chr17:63,099,241, G>C. VCF-style: chr17-63099241-G-C. GRCh37 (hg19) VCF-style: chr17-61176602-G-C.
Other names: c.206G>C, p.Ser69Thr (NM_025185.4); short protein forms S69T.
Identifiers: ClinVar variation 1690562 (VCV001690562.2), dbSNP rs552420639, ClinGen allele CA400791640.
Genomic context (GRCh38, chr17:63,099,241, plus strand): 5'-TCTCCACAGAAAGCGACTGTGCTTTTGAGCCAGACTACGCTGTCCCGCCACTTCCAGTGA[G>C]TGAAGGTATGCAGCACATTCGGATTATGGAGGGCATGTCTCGCTCTCTTCCATCCTCCCC-3'
Protein context (NP_001381927.1, residues 59-79): PDYAVPPLPV[Ser69Thr]EGMQHIRIME